The following is an entry in ClinVar:

ClinVar aggregate classification (germline): Likely benign. Review status: criteria provided, multiple submitters, no conflicts (2 of 4 stars). 2 submissions from 2 submitters: Likely benign (2). Last evaluated 2025-08-01.

Conditions:
Hereditary cancer-predisposing syndrome. Also called: Hereditary neoplastic syndrome; Tumor predisposition; Neoplastic Syndromes, Hereditary; Hereditary Cancer Syndrome. Identifiers: Orphanet 140162, MedGen C0027672, MeSH D009386, MONDO:0015356.

Submissions (2):

CeGaT Center for Human Genetics Tuebingen
Classification: Likely benign. Last evaluated: 2025-08-01. Review status: criteria provided, single submitter. Criteria: CeGaT Center For Human Genetics Tuebingen Variant Classification Criteria Version 2. Collection method: clinical testing. Allele origin: germline. Affected: yes. Observed: 1 variant allele.
Comment: SMARCA4: PM2:Supporting, BP4, BP7

Ambry Genetics
Classification: Likely benign for Hereditary cancer-predisposing syndrome. Last evaluated: 2016-01-10. Review status: criteria provided, single submitter. Criteria: Ambry Variant Classification Scheme 2023. Collection method: clinical testing. Allele origin: germline.

NM_003072.5(SMARCA4):c.4332G>C (p.Gly1444=)

Gene: SMARCA4 (SWI/SNF related BAF chromatin remodeling complex subunit ATPase 4; plus strand). Cytogenetic location: 19p13.2.
Variant type: single nucleotide variant.
Coding change: c.4332G>C on transcript NM_003072.5 (MANE Select); coding-DNA position 4332, G replaced by C.
Protein change: p.Gly1444=; no amino-acid change (glycine 1444 retained).
Molecular consequence: synonymous variant. On other transcripts: non-coding transcript variant (1).
Genome position (GRCh38, 1-based): chr19:11,041,468, G>C. VCF-style: chr19-11041468-G-C. GRCh37 (hg19) VCF-style: chr19-11152144-G-C.
Other names: c.4332G>C, p.Gly1444= (NM_001128844.3); c.4242G>C, p.Gly1414= (NM_001128845.2, NM_001128846.2); c.4233G>C, p.Gly1411= (NM_001128847.4, NM_001128848.2, NM_001374457.1); c.4428G>C, p.Gly1476= (NM_001128849.3, NM_001387283.1).
Identifiers: ClinVar variation 480594 (VCV000480594.13), dbSNP rs1555788311, ClinGen allele CA505743905.
Genomic context (GRCh38, chr19:11,041,468, plus strand): 5'-GACCACCAGCACCCGCAGCCGCGACAAGGACGACGAGAGCAAGAAGCAGAAGAAGCGCGG[G>C]CGGCCGCCTGCCGAGAAACTCTCCCCTAACCCACCCAACCTCACCAAGAAGATGAAGAAG-3'
Protein context (NP_003063.2, residues 1434-1454): DDESKKQKKR[Gly1444=]RPPAEKLSPN